The following is an entry in ClinVar:

NM_015665.6(AAAS):c.572G>A (p.Arg191Gln)

Gene: AAAS (aladin WD repeat nucleoporin; minus strand). Cytogenetic location: 12q13.13.
Variant type: single nucleotide variant.
Coding change: c.572G>A on transcript NM_015665.6 (MANE Select); coding-DNA position 572, G replaced by A.
Protein change: p.Arg191Gln; replaces arginine 191 with glutamine.
Molecular consequence: missense variant.
Genome position (GRCh38, 1-based): chr12:53,314,415, C>T on the plus strand (G>A on the coding strand, the complement: AAAS is on the minus strand). VCF-style: chr12-53314415-C-T. GRCh37 (hg19) VCF-style: chr12-53708199-C-T.
Other names: c.473G>A, p.Arg158Gln (NM_001173466.2); short protein forms R191Q, R158Q.
Identifiers: ClinVar variation 2568702 (VCV002568702.3), dbSNP rs756489312, ClinGen allele CA6599156.

ClinVar aggregate classification (germline): Uncertain significance. Review status: criteria provided, multiple submitters, no conflicts (2 of 4 stars). 2 submissions from 2 submitters: Uncertain significance (2). Last evaluated 2025-08-08.

Conditions:
Inborn genetic diseases. Identifiers: MedGen C0950123, MeSH D030342.

Allele frequency attached by ClinVar (database versions not stated): ExAC 0.00001.
gnomAD v4.1: 26 of 1,613,966 alleles (0.0016%); highest among the groups gnomAD compares: East Asian, 0.0045%; no homozygotes.

Submissions (2):

Labcorp Genetics (formerly Invitae), Labcorp
Classification: Uncertain significance. Last evaluated: 2025-08-08. Review status: criteria provided, single submitter. Criteria: Invitae Variant Classification Sherloc (09022015). Collection method: clinical testing. Allele origin: germline.
Comment: This sequence change replaces arginine, which is basic and polar, with glutamine, which is neutral and polar, at codon 191 of the AAAS protein (p.Arg191Gln). This variant is present in population databases (rs756489312, gnomAD 0.005%). This variant has not been reported in the literature in individuals affected with AAAS-related conditions. ClinVar contains an entry for this variant (Variation ID: 2568702). Invitae Evidence Modeling of protein sequence and biophysical properties (such as structural, functional, and spatial information, amino acid conservation, physicochemical variation, residue mobility, and thermodynamic stability) indicates that this missense variant is expected to disrupt AAAS protein function with a positive predictive value of 80%. In summary, the available evidence is currently insufficient to determine the role of this variant in disease. Therefore, it has been classified as a Variant of Uncertain Significance.

Ambry Genetics
Classification: Uncertain significance for Inborn genetic diseases. Last evaluated: 2023-05-15. Review status: criteria provided, single submitter. Criteria: Ambry Variant Classification Scheme 2023. Collection method: clinical testing. Allele origin: germline.